The following is an entry in ClinVar:

NM_000836.4(GRIN2D):c.2204G>T (p.Arg735Leu)

Gene: GRIN2D (glutamate ionotropic receptor NMDA type subunit 2D; plus strand). Cytogenetic location: 19q13.33.
Variant type: single nucleotide variant.
Coding change: c.2204G>T on transcript NM_000836.4 (MANE Select); coding-DNA position 2204, G replaced by T.
Protein change: p.Arg735Leu; replaces arginine 735 with leucine.
Molecular consequence: missense variant.
Genome position (GRCh38, 1-based): chr19:48,421,897, G>T. VCF-style: chr19-48421897-G-T. GRCh37 (hg19) VCF-style: chr19-48925154-G-T.
Other names: short protein forms R735L.
Identifiers: ClinVar variation 2759848 (VCV002759848.3), dbSNP rs749130026, ClinGen allele CA406664086.

ClinVar aggregate classification (germline): Uncertain significance (1 of 4 stars; one submission).

Submission:

Labcorp Genetics (formerly Invitae), Labcorp
Classification: Uncertain significance. Last evaluated: 2024-10-15. Review status: criteria provided, single submitter. Criteria: Invitae Variant Classification Sherloc (09022015). Collection method: clinical testing. Allele origin: germline.
Comment: This sequence change replaces arginine, which is basic and polar, with leucine, which is neutral and non-polar, at codon 735 of the GRIN2D protein (p.Arg735Leu). This variant is not present in population databases (gnomAD no frequency). This variant has not been reported in the literature in individuals affected with GRIN2D-related conditions. Invitae Evidence Modeling of protein sequence and biophysical properties (such as structural, functional, and spatial information, amino acid conservation, physicochemical variation, residue mobility, and thermodynamic stability) indicates that this missense variant is not expected to disrupt GRIN2D protein function with a negative predictive value of 80%. In summary, the available evidence is currently insufficient to determine the role of this variant in disease. Therefore, it has been classified as a Variant of Uncertain Significance.